The following is an entry in ClinVar:

ClinVar aggregate classification (germline): Benign. Review status: criteria provided, multiple submitters, no conflicts (2 of 4 stars). 4 submissions from 4 submitters: Benign (3). 1 of the submissions does not count toward it. Last evaluated 2026-02-04.

Allele frequency attached by ClinVar (database versions not stated): ESP Exome Variant Server 0.17438; ExAC 0.08720; 1000 Genomes Project 0.19149; 1000 Genomes Project 30x 0.20300; gnomAD 0.16959; TOPMed 0.18115.
gnomAD v4.1: 102,746 of 1,574,132 alleles (6.5%); highest among the groups gnomAD compares: African/African-American, 46%; 10,000 homozygotes.

Submissions (4):

Labcorp Genetics (formerly Invitae), Labcorp
Classification: Benign. Last evaluated: 2026-02-04. Review status: criteria provided, single submitter. Criteria: Invitae Variant Classification Sherloc (09022015). Collection method: clinical testing. Allele origin: germline.

GeneDx
Classification: Benign. Last evaluated: 2018-06-13. Review status: criteria provided, single submitter. Criteria: GeneDx Variant Classification (06012015). Collection method: clinical testing. Allele origin: germline. Affected: yes.
Comment: This variant is considered likely benign or benign based on one or more of the following criteria: it is a conservative change, it occurs at a poorly conserved position in the protein, it is predicted to be benign by multiple in silico algorithms, and/or has population frequency not consistent with disease.

Breakthrough Genomics
Classification: Benign. Review status: criteria provided, single submitter. Criteria: ACMG Guidelines, 2015. Collection method: not provided. Allele origin: germline. Inheritance: Autosomal recessive inheritance. Affected: yes.

Mayo Clinic Laboratories, Mayo Clinic
Classification: Benign. Last evaluated: 2015-12-15. Review status: no assertion criteria provided. Collection method: clinical testing. Allele origin: unknown. Not counted in ClinVar's aggregate classification.

NM_002979.5(SCP2):c.987G>T (p.Thr329=)

Gene: SCP2 (sterol carrier protein 2; plus strand). Cytogenetic location: 1p32.3.
Variant type: single nucleotide variant.
Coding change: c.987G>T on transcript NM_002979.5 (MANE Select); coding-DNA position 987, G replaced by T.
Protein change: p.Thr329=; no amino-acid change (threonine 329 retained).
Molecular consequence: synonymous variant.
Genome position (GRCh38, 1-based): chr1:52,988,042, G>T. VCF-style: chr1-52988042-G-T. GRCh37 (hg19) VCF-style: chr1-53453714-G-T.
Other names: c.855G>T, p.Thr285= (NM_001007098.3, NM_001193600.2); c.915G>T, p.Thr305= (NM_001193599.2); c.744G>T, p.Thr248= (NM_001193617.2); c.987G>T, p.Thr329= (NM_001330587.2).
Identifiers: ClinVar variation 559026 (VCV000559026.14), dbSNP rs7538935, ClinGen allele CA857276.